The following is an entry in ClinVar:

NM_033056.4(PCDH15):c.4604_4608dup (p.Ser1537fs)

Gene: PCDH15 (protocadherin related 15; minus strand). Cytogenetic location: 10q21.1.
Variant type: Duplication.
Coding change: c.4604_4608dup on transcript NM_033056.4 (MANE Plus Clinical); coding-DNA positions 4604 to 4608, 5 bases duplicated (AAGTA; older notation c.4604_4608dupAAGTA).
Protein change: p.Ser1537fs; shifts the reading frame from serine 1537.
Molecular consequence: frameshift variant. On other transcripts: intron variant (8).
Genome position (GRCh38, 1-based): chr10:53,823,118-53,823,122, TACTT duplicated on the plus strand (AAGTA on the coding strand, the reverse complement: PCDH15 is on the minus strand). VCF-style (leftmost placement, unchanged base first): chr10-53823117-A-ATACTT. GRCh37 (hg19) VCF-style: chr10-55582877-A-ATACTT.
Other names: c.4535_4539dup, p.Ser1514fs (NM_001142773.2); c.4538_4542dup, p.Ser1515fs (NM_001354404.2); c.4367+4271_4367+4275dup (NM_001354420.2, NM_001354429.2); c.4368-2892_4368-2888dup (NM_001384140.1); c.4373+2014_4373+2018dup (NM_001142772.2, NM_001142770.3); c.4388+2014_4388+2018dup (NM_001142771.2); c.4388+4271_4388+4275dup (NM_001354411.2); c.4409+2014_4409+2018dup (NM_001142769.3); and 6 more; short protein forms S1514fs, S1534fs, S1515fs, S1537fs, S1468fs, S1497fs, S1517fs, S1539fs.
Identifiers: ClinVar variation 965230 (VCV000965230.14), dbSNP rs747516133, ClinGen allele CA5505238.

ClinVar aggregate classification (germline): Pathogenic/Likely pathogenic. Review status: criteria provided, multiple submitters, no conflicts (2 of 4 stars). 4 submissions from 4 submitters: Pathogenic (2); Likely pathogenic (2). Last evaluated 2025-01-09.

Conditions:
Usher syndrome type 1D (USH1D). Also called: USHER SYNDROME, TYPE ID. Identifiers: Orphanet 231169, Orphanet 886, MedGen C1832845, MONDO:0010984, OMIM 601067.
Usher syndrome type 1F (USH1F). Also called: USHER SYNDROME, TYPE IF. Identifiers: Orphanet 231169, Orphanet 886, MedGen C1865885, MONDO:0011186, OMIM 602083.
Autosomal recessive nonsyndromic hearing loss 23. Identifiers: Orphanet 90636, MedGen C1836027, MONDO:0012293, OMIM 609533.

Allele frequency attached by ClinVar (database versions not stated): TOPMed below 0.00001; ExAC 0.00002; gnomAD exomes 0.00001.

Submissions (4):

Revvity Omics, Revvity
Classification: Likely pathogenic. Last evaluated: 2025-01-09. Review status: criteria provided, single submitter. Criteria: ACMG Guidelines, 2015. Collection method: clinical testing. Allele origin: germline.

Genomic Medicine Center of Excellence, King Faisal Specialist Hospital and Research Centre
Classification: Pathogenic for Usher syndrome type 1D. Last evaluated: 2024-03-26. Review status: criteria provided, single submitter. Criteria: ACMG Guidelines, 2015. Collection method: clinical testing. Allele origin: germline.

Labcorp Genetics (formerly Invitae), Labcorp
Classification: Pathogenic. Last evaluated: 2023-11-27. Review status: criteria provided, single submitter. Criteria: Invitae Variant Classification Sherloc (09022015). Collection method: clinical testing. Allele origin: germline.
Comment: This sequence change creates a premature translational stop signal (p.Ser1537Lysfs*15) in the PCDH15 gene. While this is not anticipated to result in nonsense mediated decay, it is expected to disrupt the last 419 amino acid(s) of the PCDH15 protein. This variant is present in population databases (rs747516133, gnomAD 0.002%). This variant has not been reported in the literature in individuals affected with PCDH15-related conditions. ClinVar contains an entry for this variant (Variation ID: 965230). This variant disrupts a region of the PCDH15 protein in which other variant(s) (p.Gln1576*) have been determined to be pathogenic (PMID: 28281779). This suggests that this is a clinically significant region of the protein, and that variants that disrupt it are likely to be disease-causing. For these reasons, this variant has been classified as Pathogenic.

Fulgent Genetics
Classification: Likely pathogenic for Usher syndrome type 1D; Usher syndrome type 1F; Autosomal recessive nonsyndromic hearing loss 23. Last evaluated: 2022-02-08. Review status: criteria provided, single submitter. Criteria: ACMG Guidelines, 2015. Collection method: clinical testing. Allele origin: unknown.

Literature cited by the submitters: PubMed 28281779 (cited by Labcorp Genetics (formerly Invitae), Labcorp).